The following is an entry in ClinVar:

ClinVar aggregate classification (germline): Uncertain significance (1 of 4 stars; one submission).

Conditions:
OTOG-related disorder. Also called: OTOG-related condition.

gnomAD v4.1: 17 of 1,549,806 alleles (0.0011%); highest among the groups gnomAD compares: African/African-American, 0.023%; no homozygotes.

Submission:

PreventionGenetics, part of Exact Sciences
Classification: Uncertain significance for OTOG-related condition. Last evaluated: 2026-03-07. Review status: criteria provided, single submitter. Criteria: ACMG Guidelines, 2015. Collection method: clinical testing. Allele origin: germline.
Comment: The OTOG c.1991+5G>C variant is predicted to interfere with splicing. This variant is predicted to impact splicing based on available splicing prediction programs (SpliceAI, Jaganathan et al. 2019. PubMed ID: 30661751). To our knowledge, this variant has not been reported in the literature. This variant is reported in 0.044% of alleles in individuals of African descent in gnomAD. At this time, the clinical significance of this variant is uncertain due to the absence of conclusive functional and genetic evidence.

NM_001292063.2(OTOG):c.1955+5G>C

Gene: OTOG (otogelin; plus strand). Cytogenetic location: 11p15.1.
Variant type: single nucleotide variant.
Coding change: c.1955+5G>C on transcript NM_001292063.2 (MANE Select); 5 bases into the intron after coding-DNA position 1955, G replaced by C.
Molecular consequence: intron variant.
Genome position (GRCh38, 1-based): chr11:17,570,395, G>C. VCF-style: chr11-17570395-G-C. GRCh37 (hg19) VCF-style: chr11-17591942-G-C.
Other names: c.1991+5G>C (NM_001277269.2).
Identifiers: ClinVar variation 4980988 (VCV004980988.1).